The following is an entry in ClinVar:

ClinVar aggregate classification (germline): Uncertain significance. Review status: criteria provided, multiple submitters, no conflicts (2 of 4 stars). 2 submissions from 2 submitters: Uncertain significance (2). Last evaluated 2024-01-08.

Conditions:
Renal tubular dysgenesis of genetic origin. Also called: PRIMITIVE RENAL TUBULE SYNDROME. Identifiers: Orphanet 97369, MedGen C5681536, MONDO:0009970, OMIM 267430.
Hemorrhage, intracerebral, susceptibility to (ICH). Also called: Stroke, hemorrhagic, susceptibility to. Identifiers: MedGen C3281105, MONDO:0100533, OMIM 614519.
Microvascular complications of diabetes, susceptibility to, 3. Identifiers: MedGen C2675470, MONDO:0012963, OMIM 612624.

Allele frequency attached by ClinVar (database versions not stated): gnomAD exomes 0.00005; ExAC 0.00007; ESP Exome Variant Server 0.00015; gnomAD 0.00016; TOPMed 0.00020; 1000 Genomes Project 0.00060; 1000 Genomes Project 30x 0.00078.

Submissions (2):

Fulgent Genetics
Classification: Uncertain significance for Renal tubular dysgenesis of genetic origin; Microvascular complications of diabetes, susceptibility to, 3; Hemorrhage, intracerebral, susceptibility to. Last evaluated: 2024-01-08. Review status: criteria provided, single submitter. Criteria: ACMG Guidelines, 2015. Collection method: clinical testing. Allele origin: germline.

Labcorp Genetics (formerly Invitae), Labcorp
Classification: Uncertain significance. Last evaluated: 2022-05-21. Review status: criteria provided, single submitter. Criteria: Invitae Variant Classification Sherloc (09022015). Collection method: clinical testing. Allele origin: germline.
Comment: This sequence change replaces glycine, which is neutral and non-polar, with serine, which is neutral and polar, at codon 415 of the ACE protein (p.Gly415Ser). This variant is present in population databases (rs149252911, gnomAD 0.04%). This variant has not been reported in the literature in individuals affected with ACE-related conditions. Algorithms developed to predict the effect of missense changes on protein structure and function (SIFT, PolyPhen-2, Align-GVGD) all suggest that this variant is likely to be disruptive. In summary, the available evidence is currently insufficient to determine the role of this variant in disease. Therefore, it has been classified as a Variant of Uncertain Significance.

NM_000789.4(ACE):c.1243G>A (p.Gly415Ser)

Gene: ACE (angiotensin I converting enzyme; plus strand). Cytogenetic location: 17q23.3.
Variant type: single nucleotide variant.
Coding change: c.1243G>A on transcript NM_000789.4 (MANE Select); coding-DNA position 1243, G replaced by A.
Protein change: p.Gly415Ser; replaces glycine 415 with serine.
Molecular consequence: missense variant.
Genome position (GRCh38, 1-based): chr17:63,482,590, G>A. VCF-style: chr17-63482590-G-A. GRCh37 (hg19) VCF-style: chr17-61559951-G-A.
Other names: c.676G>A, p.Gly226Ser (NM_001382700.1); c.391G>A, p.Gly131Ser (NM_001382701.1); short protein forms G131S, G226S, G415S.
Identifiers: ClinVar variation 2200785 (VCV002200785.2), dbSNP rs149252911, ClinGen allele CA8699454.
Genomic context (GRCh38, chr17:63,482,590, plus strand): 5'-ATACAGTACTACCTGCAGTACAAGGATCTGCCCGTCTCCCTGCGTCGGGGGGCCAACCCC[G>A]GCTTCCATGAGGCCATTGGGGACGTGCTGGCGCTCTCGGTCTCCACTCCTGAACATCTGC-3'
Protein context (NP_000780.1, residues 405-425): PVSLRRGANP[Gly415Ser]FHEAIGDVLA